The following is an entry in ClinVar:

GRCh38/hg38 10q11.22-11.23(chr10:45931517-50655311)x1

Genes: AGAP6 (ArfGAP with GTPase domain, ankyrin repeat and PH domain 6; plus strand), AGAP9 (ArfGAP with GTPase domain, ankyrin repeat and PH domain 9; minus strand), ANTXRL (ANTXR like; plus strand), ANXA8 (annexin A8; minus strand), ANXA8L1 (annexin A8 like 1; plus strand) and 144 more. Cytogenetic location: 10q11.22-11.23.
Variant type: copy number loss.
Change: copy number 1 (one copy instead of two) of chr10:45,931,517-50,655,311 (4.72 Mb, GRCh38 coordinates, 1-based), cytogenetic band 10q11.22-11.23.
Identifiers: ClinVar variation 58551 (VCV000058551.1).

ClinVar aggregate classification (germline): Pathogenic (1 of 4 stars; one submission).

Submission:

ISCA site 17
Classification: Pathogenic. Last evaluated: 2011-08-12. Review status: criteria provided, single submitter. Criteria: Kaminsky et al. (Genet Med. 2011). Collection method: clinical testing. Allele origin: unknown. Affected: yes. Observed: 1 variant allele.
Comment: Copy number variation identified through the course of routine clinical cytogenomic testing in postnatal populations. Clinical assertions have been curated as described in Kaminsky et al. 2011.